The following is an entry in ClinVar:

NM_001378454.1(ALMS1):c.3918_3921del (p.Thr1307fs)

Gene: ALMS1 (ALMS1 centrosome and basal body associated protein; plus strand). Cytogenetic location: 2p13.1.
Variant type: Deletion.
Coding change: c.3918_3921del on transcript NM_001378454.1 (MANE Select); coding-DNA positions 3918 to 3921, 4 bases deleted (AACT; older notation c.3918_3921delAACT).
Protein change: p.Thr1307fs; shifts the reading frame from threonine 1307.
Molecular consequence: frameshift variant.
Genome position (GRCh38, 1-based): chr2:73,450,445-73,450,448, AACT deleted; deleting any 4 consecutive bases within chr2:73,450,443-73,450,448 gives the same sequence; the c. name uses the placement nearest the transcript's 3' end. VCF-style (leftmost placement, unchanged base first): chr2-73450442-TCTAA-T. GRCh37 (hg19) VCF-style: chr2-73677569-TCTAA-T.
Other names: c.3921_3924del, p.Thr1308fs (NM_015120.4); short protein forms T1307fs, T1308fs.
Identifiers: ClinVar variation 2025653 (VCV002025653.4), dbSNP rs2466099885, ClinGen allele CA2580067936.

ClinVar aggregate classification (germline): Pathogenic (1 of 4 stars; one submission).

Conditions:
Alstrom syndrome (ALMS). Identifiers: Orphanet 64, MedGen C0268425, MONDO:0008763, OMIM 203800.

Submission:

Labcorp Genetics (formerly Invitae), Labcorp
Classification: Pathogenic for Alstrom syndrome. Last evaluated: 2022-08-21. Review status: criteria provided, single submitter. Criteria: Invitae Variant Classification Sherloc (09022015). Collection method: clinical testing. Allele origin: germline.
Comment: For these reasons, this variant has been classified as Pathogenic. This variant has not been reported in the literature in individuals affected with ALMS1-related conditions. This variant is not present in population databases (gnomAD no frequency). This sequence change creates a premature translational stop signal (p.Thr1308Lysfs*18) in the ALMS1 gene. It is expected to result in an absent or disrupted protein product. Loss-of-function variants in ALMS1 are known to be pathogenic (PMID: 17594715).

Literature cited by the submitters: PubMed 17594715.